The following is an entry in ClinVar:

ClinVar aggregate classification (germline): Likely pathogenic. Review status: criteria provided, multiple submitters, no conflicts (2 of 4 stars). 3 submissions from 3 submitters: Likely pathogenic (2). 1 of the submissions does not count toward it. Last evaluated 2026-03-24.

Conditions:
Fetal anomalies with a likely genetic cause.
Phosphoribosylaminoimidazole carboxylase deficiency (PAICSD). Identifiers: MedGen C1291561, OMIM 619859, MONDO:0859244.

Allele frequency attached by ClinVar (database versions not stated): 1000 Genomes Project 30x 0.00016; 1000 Genomes Project 0.00020; gnomAD 0.00072 and 0.00076; gnomAD exomes 0.00079 and 0.00116; ExAC 0.00142; TOPMed 0.00073; ESP Exome Variant Server 0.00084.

Submissions (3):

Genetics Laboratory, Great Ormond Street Hospital NHS Foundation Trust, North Thames Genomic Laboratory Hub
Classification: Likely pathogenic for Fetal anomalies with a likely genetic cause. Last evaluated: 2026-03-24. Review status: criteria provided, single submitter. Criteria: ACGS Best Practice Guidelines for Variant Classification in Rare Disease 2024 v1.2. Collection method: clinical testing. Allele origin: germline. Affected: yes.
Comment: PM2_moderate, PP3_supporting, PS3_supporting, PM3_moderate

First Genomix Gene Laboratory, Genetic Diagnostics Department
Classification: Likely pathogenic for Phosphoribosylaminoimidazole carboxylase deficiency. Last evaluated: 2025-09-16. Review status: criteria provided, single submitter. Criteria: ACMG Guidelines, 2015. Collection method: clinical testing. Allele origin: germline. Inheritance: Autosomal recessive inheritance. Affected: no. Observed: 1 variant allele.

OMIM
Classification: Pathogenic for PHOSPHORIBOSYLAMINOIMIDAZOLE CARBOXYLASE DEFICIENCY (1 family). Last evaluated: 2022-04-28. Review status: no assertion criteria provided. Collection method: literature only. Allele origin: germline. Not counted in ClinVar's aggregate classification.

Literature cited by the submitters: PubMed 31600779 (cited by OMIM).

NM_001079524.2(PAICS):c.158A>G (p.Lys53Arg)

Gene: PAICS (phosphoribosylaminoimidazole carboxylase and phosphoribosylaminoimidazolesuccinocarboxamide synthase; plus strand). Cytogenetic location: 4q12.
Variant type: single nucleotide variant.
Coding change: c.158A>G on transcript NM_001079524.2 (MANE Select); coding-DNA position 158, A replaced by G.
Protein change: p.Lys53Arg; replaces lysine 53 with arginine.
Molecular consequence: missense variant.
Genome position (GRCh38, 1-based): chr4:56,441,804, A>G. VCF-style: chr4-56441804-A-G. GRCh37 (hg19) VCF-style: chr4-57307970-A-G.
Other names: PAICS, LYS53ARG (rs192831239); c.158A>G, p.Lys53Arg (NM_001079525.2, NM_006452.4); c.1304A>G, p.Lys435Arg (NM_001392010.1); c.1220A>G, p.Lys407Arg (NM_001392011.1); c.785A>G, p.Lys262Arg (NM_001392012.1); short protein forms K53R, K262R, K407R, K435R.
Identifiers: ClinVar variation 1686821 (VCV001686821.2), dbSNP rs192831239, ClinGen allele CA2930671.
Genomic context (GRCh38, chr4:56,441,804, plus strand): 5'-TGCAGTCCAAGGACCAGATTACAGCAGGAAATGCAGCTAGAAAAAACCACCTGGAAGGAA[A>G]AGCTGCAATCTCAAATAAAATCACCAGTTGTATTTTTCAGTTATTACAGGAAGCAGGTAA-3'
Protein context (NP_001072992.1, residues 43-63): NAARKNHLEG[Lys53Arg]AAISNKITSC